The following is an entry in ClinVar:

NM_019616.4(F7):c.364+1G>A

Gene: F7 (coagulation factor VII; plus strand). Cytogenetic location: 13q34.
Variant type: single nucleotide variant.
Coding change: c.364+1G>A on transcript NM_019616.4 (MANE Select); the canonical splice donor site of the intron after coding-DNA position 364, G replaced by A.
Molecular consequence: splice donor variant.
Genome position (GRCh38, 1-based): chr13:113,113,961, G>A. VCF-style: chr13-113113961-G-A. GRCh37 (hg19) VCF-style: chr13-113768275-G-A.
Other names: c.430+1G>A (NM_000131.5); c.178+1G>A (NM_001267554.2).
Identifiers: ClinVar variation 627309 (VCV000627309.17), dbSNP rs1056071555, ClinGen allele CA256458325.
Genomic context (GRCh38, chr13:113,113,961, plus strand): 5'-AGCTCCAGTCCTATATCTGCTTCTGCCTCCCTGCCTTCGAGGGCCGGAACTGTGAGACGC[G>A]TAAGGCCCCACTTTGGGTCCCATATTTGCAGAGGGCCCTGGGGAGCTGGTGGAGGTGGCC-3'

ClinVar aggregate classification (germline): Pathogenic/Likely pathogenic. Review status: criteria provided, multiple submitters, no conflicts (2 of 4 stars). 9 submissions from 9 submitters: Pathogenic (6); Likely pathogenic (3). Last evaluated 2026-02-23.

Conditions:
Congenital factor VII deficiency. Identifiers: Orphanet 327, MedGen C0272320, MONDO:0009211, OMIM 227500.
Factor VII deficiency. Also called: Factor 7 deficiency; F7 DEFICIENCY; HYPOPROCONVERTINEMIA. Identifiers: MedGen C0015503, MeSH D005168, MONDO:0002244.
Myocardial infarction, susceptibility to. Identifiers: MedGen C1832662, MONDO:0012039, OMIM 608446.
F7-related disorders.

Allele frequency attached by ClinVar (database versions not stated): gnomAD exomes 0.00001 and 0.00002; TOPMed 0.00004; gnomAD 0.00005 and 0.00006.
gnomAD v4.1: 27 of 1,613,742 alleles (0.0017%); highest among the groups gnomAD compares: Admixed American, 0.018%; no homozygotes.

Submissions (9):

Dasa
Classification: Pathogenic. Last evaluated: 2026-02-23. Review status: criteria provided, single submitter. Criteria: DASA Assertion Criteria. Collection method: clinical testing. Allele origin: germline.
Comment: NM_019616.4(F7):c.364+1G>A affects a canonical splice site and is predicted to disrupt normal RNA splicing. Loss of function is an established disease mechanism for F7-associated disorders. This variant has been recurrently observed in individuals with F7-related disorders (PMID: 8652821; PMID: 31064749; PMID: 9680360; PMID: 29318701; PMID: 25952977). Functional evidence supports an impact on the gene or gene product (PMID: 29318701; PMID: 9680360). Also, this variant is rare in population databases. Based on the currently available evidence, this variant is classified as pathogenic.

GeneDx
Classification: Likely pathogenic. Last evaluated: 2025-05-20. Review status: criteria provided, single submitter. Criteria: GeneDx Variant Classification Process June 2021. Collection method: clinical testing. Allele origin: germline. Affected: yes.
Comment: Canonical splice site variant predicted to result in an in-frame loss of the adjacent exon in a gene for which loss of function is a known mechanism of disease; This variant is associated with the following publications: (PMID: 9680360, 8652821, 25525159, 31273093, 31064749, 29318701, 25952977, 38202056, 37647632)

Clinical Genomics Laboratory, Washington University in St. Louis
Classification: Pathogenic for Congenital factor VII deficiency. Last evaluated: 2025-03-27. Review status: criteria provided, single submitter. Criteria: ACMG Guidelines, 2015. Collection method: clinical testing. Allele origin: germline. Affected: yes.
Comment: The F7 c.364+1G>A variant, also published as c.430+1G>A, has been reported in four individuals affected by factor VII deficiency. Of those individuals, three were compound heterozygous for the variant and a pathogenic or likely pathogenic variant, while one individual was homozygous for the variant (Arbini AA et al., PMID: 8652821; Downes K et al., PMID: 31064749; McVey JH et al., PMID: 9680360; Pikija S et al., PMID: 29318701; Siboni SM et al., PMID: 25952977). This variant has been reported in the ClinVar database as a likely pathogenic variant by three submitters and as a pathogenic variant by three submitters (Variation ID: 627309). It occurs within the canonical splice donor site, which is predicted to cause skipping of the exon, leading to an in-frame transcript. This variant is observed in only 5 out of 251,052 alleles in the general population (gnomAD v.2.1.1), indicating that it is not a common variant. Functional studies show the skipping of exon 4 in processed mRNA by RT-PCR, indicating that this variant impacts protein function (McVey JH et al., PMID: 9680360). Based on available information and the ACMG/AMP guidelines for variant interpretation (Richards S et al., PMID: 25741868), this variant is classified as pathogenic.

Fulgent Genetics
Classification: Pathogenic for Congenital factor VII deficiency; Myocardial infarction, susceptibility to. Last evaluated: 2024-01-16. Review status: criteria provided, single submitter. Criteria: ACMG Guidelines, 2015. Collection method: clinical testing. Allele origin: germline.

HudsonAlpha Institute for Biotechnology
Classification: Pathogenic for Congenital factor VII deficiency. Last evaluated: 2022-04-21. Review status: criteria provided, single submitter. Criteria: ACMG Guidelines, 2015. Collection method: research. Allele origin: unknown. Affected: yes. Observed: 1 variant allele. Study: HudsonAlpha-AGHI-WGS.
Comment: ACMG codes: PVS1, PS3, PM2

Mayo Clinic Laboratories, Mayo Clinic
Classification: Pathogenic. Last evaluated: 2022-04-01. Review status: criteria provided, single submitter. Criteria: ACMG Guidelines, 2015. Collection method: clinical testing. Allele origin: germline. Observed: 1 variant allele.
Comment: PM2, PS3, PS4_moderate, PVS1

Blueprint Genetics
Classification: Pathogenic for F7-related disorders. Last evaluated: 2021-07-08. Review status: criteria provided, single submitter. Criteria: ACMG Guidelines, 2015. Collection method: clinical testing. Allele origin: germline. Affected: yes. Observed: 5 variant alleles.

Baylor Genetics
Classification: Likely pathogenic for Congenital factor VII deficiency. Last evaluated: 2020-05-06. Review status: criteria provided, single submitter. Criteria: ACMG Guidelines, 2015. Collection method: clinical testing. Allele origin: unknown. Affected: yes.
Comment: This variant was determined to be likely pathogenic according to ACMG Guidelines, 2015 [PMID:25741868].

NIHR Bioresource Rare Diseases, University of Cambridge
Classification: Likely pathogenic for Congenital factor VII deficiency. Last evaluated: 2019-02-01. Review status: criteria provided, single submitter. Criteria: ACMG Guidelines, 2015. Collection method: research. Allele origin: unknown. Affected: yes. Observed: 1 heterozygote. Study: ThromboGenomics.

Literature cited by the submitters: PubMed 29318701 (cited by Dasa); PubMed 9680360 (cited by Dasa); PubMed 8652821 (cited by Dasa); PubMed 31064749 (cited by Dasa and NIHR Bioresource Rare Diseases, University of Cambridge); PubMed 25952977 (cited by Dasa).